The following is an entry in ClinVar:

ClinVar aggregate classification (germline): Uncertain significance (1 of 4 stars; one submission).

Conditions:
Exostoses, multiple, type 2 (EXT2). Also called: Hereditary Multiple Osteochondromatosis, Type II; EXOSTOSES, MULTIPLE, TYPE II. Identifiers: Orphanet 321, MedGen C1851413, MONDO:0007586, OMIM 133701.

Allele frequency attached by ClinVar (database versions not stated): gnomAD exomes below 0.00001; ExAC 0.00001.
gnomAD v4.1: 2 of 1,614,132 alleles (0.00012%); highest among the groups gnomAD compares: Non-Finnish European, 0.00017%; no homozygotes.

Submission:

Labcorp Genetics (formerly Invitae), Labcorp
Classification: Uncertain significance for Exostoses, multiple, type 2. Last evaluated: 2021-12-09. Review status: criteria provided, single submitter. Criteria: Invitae Variant Classification Sherloc (09022015). Collection method: clinical testing. Allele origin: germline.
Comment: This variant has not been reported in the literature in individuals affected with EXT2-related conditions. Algorithms developed to predict the effect of missense changes on protein structure and function are either unavailable or do not agree on the potential impact of this missense change (SIFT: "Deleterious"; PolyPhen-2: "Probably Damaging"; Align-GVGD: "Class C0"). In summary, the available evidence is currently insufficient to determine the role of this variant in disease. Therefore, it has been classified as a Variant of Uncertain Significance. This sequence change replaces leucine, which is neutral and non-polar, with phenylalanine, which is neutral and non-polar, at codon 350 of the EXT2 protein (p.Leu350Phe). This variant is present in population databases (rs747302075, gnomAD 0.0009%).

NM_207122.2(EXT2):c.1050G>T (p.Leu350Phe)

Gene: EXT2 (exostosin glycosyltransferase 2; plus strand). Cytogenetic location: 11p11.2.
Variant type: single nucleotide variant.
Coding change: c.1050G>T on transcript NM_207122.2 (MANE Select); coding-DNA position 1050, G replaced by T.
Protein change: p.Leu350Phe; replaces leucine 350 with phenylalanine.
Molecular consequence: missense variant.
Genome position (GRCh38, 1-based): chr11:44,126,926, G>T. VCF-style: chr11-44126926-G-T. GRCh37 (hg19) VCF-style: chr11-44148476-G-T.
Other names: c.1149G>T, p.Leu383Phe (NM_000401.3); c.1050G>T, p.Leu350Phe (NM_001178083.3, NM_001389628.1, NM_001389630.1); short protein forms L350F, L383F.
Identifiers: ClinVar variation 1375603 (VCV001375603.6), dbSNP rs747302075, ClinGen allele CA5955084.
Genomic context (GRCh38, chr11:44,126,926, plus strand): 5'-ATTGAGCGATGTGTTACAAGCTGGCTGTGTCCCGGTTGTCATTGCAGACTCCTATATTTT[G>T]CCTTTCTCTGAAGTTCTTGACTGGAAGAGGTGGGTAGTACCTCCTAGTAAACTCTACATT-3'
Protein context (NP_997005.1, residues 340-360): VPVVIADSYI[Leu350Phe]PFSEVLDWKR